The following is an entry in ClinVar:

NM_007215.4(POLG2):c.928G>C (p.Glu310Gln)

Genes: POLG2 (DNA polymerase gamma 2, accessory subunit; minus strand), MILR1 (mast cell immunoglobulin like receptor 1; plus strand). Cytogenetic location: 17q23.3.
Variant type: single nucleotide variant.
Coding change: c.928G>C on transcript NM_007215.4 (MANE Select); coding-DNA position 928, G replaced by C.
Protein change: p.Glu310Gln; replaces glutamic acid 310 with glutamine.
Molecular consequence: missense variant.
Genome position (GRCh38, 1-based): chr17:64,490,837, C>G on the plus strand (G>C on the coding strand, the complement: POLG2 is on the minus strand). VCF-style: chr17-64490837-C-G. GRCh37 (hg19) VCF-style: chr17-62486954-C-G.
Other names: short protein forms E310Q.
Identifiers: ClinVar variation 1380614 (VCV001380614.6), dbSNP rs782433092, ClinGen allele CA400638479.

ClinVar aggregate classification (germline): Uncertain significance (1 of 4 stars; one submission).

Allele frequency attached by ClinVar (database versions not stated): TOPMed below 0.00001.
gnomAD v4.1: 2 of 1,613,450 alleles (0.00012%); highest among the groups gnomAD compares: Non-Finnish European, 0.00017%; no homozygotes.

Submission:

Labcorp Genetics (formerly Invitae), Labcorp
Classification: Uncertain significance. Last evaluated: 2023-06-21. Review status: criteria provided, single submitter. Criteria: Invitae Variant Classification Sherloc (09022015). Collection method: clinical testing. Allele origin: germline.
Comment: In summary, the available evidence is currently insufficient to determine the role of this variant in disease. Therefore, it has been classified as a Variant of Uncertain Significance. An algorithm developed to predict the effect of missense changes on protein structure and function (PolyPhen-2) suggests that this variant is likely to be tolerated. ClinVar contains an entry for this variant (Variation ID: 1380614). This variant has not been reported in the literature in individuals affected with POLG2-related conditions. This variant is not present in population databases (gnomAD no frequency). This sequence change replaces glutamic acid, which is acidic and polar, with glutamine, which is neutral and polar, at codon 310 of the POLG2 protein (p.Glu310Gln).